The following is an entry in ClinVar:

NM_000257.4(MYH7):c.3973-2A>T

Gene: MYH7 (myosin heavy chain 7; minus strand). Cytogenetic location: 14q11.2.
Variant type: single nucleotide variant.
Coding change: c.3973-2A>T on transcript NM_000257.4 (MANE Select); the canonical splice acceptor site of the intron before coding-DNA position 3973, A replaced by T.
Molecular consequence: splice acceptor variant.
Genome position (GRCh38, 1-based): chr14:23,418,408, T>A on the plus strand (A>T on the coding strand, the complement: MYH7 is on the minus strand). VCF-style: chr14-23418408-T-A. GRCh37 (hg19) VCF-style: chr14-23887617-T-A.
Other names: c.3973-2A>T (NM_001407004.1).
Identifiers: ClinVar variation 42984 (VCV000042984.10), dbSNP rs397516197, ClinGen allele CA014294.
Genomic context (GRCh38, chr14:23,418,408, plus strand): 5'-CGCAGCAGGTCGCAGTCATGCCGGGCCGACTGCAGTGCGTGGGCCAGGGCGTTCTTCGCC[T>A]GGGGAGGGGTGGGCACCAGGAGGTGGGTTCAGCTTTCTCCATAAAGCAACCCCACCCTTG-3'

ClinVar aggregate classification (germline): Uncertain significance. Review status: criteria provided, multiple submitters, no conflicts (2 of 4 stars). 2 submissions from 2 submitters: Uncertain significance (2). Last evaluated 2022-05-28.

Conditions:
Primary dilated cardiomyopathy (DCM). Also called: Dilated Cardiomyopathy. Identifiers: Orphanet 217604, MedGen C0007193, MeSH D002311, MONDO:0005021, HP:0001644. Inheritance: Various modes of inheritance.
Hypertrophic cardiomyopathy. Also called: HYPERTROPHIC MYOCARDIOPATHY. Identifiers: Orphanet 217569, MedGen C0007194, MeSH D002312, MONDO:0005045, HP:0001639.

Submissions (2):

Labcorp Genetics (formerly Invitae), Labcorp
Classification: Uncertain significance for Hypertrophic cardiomyopathy. Last evaluated: 2022-05-28. Review status: criteria provided, single submitter. Criteria: Invitae Variant Classification Sherloc (09022015). Collection method: clinical testing. Allele origin: germline.
Comment: Algorithms developed to predict the effect of sequence changes on RNA splicing suggest that this variant may disrupt the consensus splice site. In summary, the available evidence is currently insufficient to determine the role of this variant in disease. Therefore, it has been classified as a Variant of Uncertain Significance. ClinVar contains an entry for this variant (Variation ID: 42984). This variant has not been reported in the literature in individuals affected with MYH7-related conditions. This variant is not present in population databases (gnomAD no frequency). This sequence change affects an acceptor splice site in intron 29 of the MYH7 gene. It is expected to disrupt RNA splicing. Variants that disrupt the donor or acceptor splice site typically lead to a loss of protein function (PMID: 16199547), however the current clinical and genetic evidence is not sufficient to establish whether loss-of-function variants in MYH7 cause disease.

Laboratory for Molecular Medicine, Mass General Brigham Personalized Medicine
Classification: Uncertain significance for Primary dilated cardiomyopathy. Last evaluated: 2022-01-14. Review status: criteria provided, single submitter. Criteria: ACMG Guidelines, 2015. Collection method: clinical testing. Allele origin: germline.
Comment: It was absent from large population studies. This variant occurs within the canonical splice site (+/- 1,2) and is predicted to cause altered splicing leading to an abnormal or absent protein. The contribution of loss of function variants in the MYH7 gene to autosomal dominant cardiomyopathy is not well established. In summary, while there is some suspicion for a pathogenic role, the clinical significance of this variant is uncertain for autosomal dominant DCM. ACMG/AMP Criteria applied: PVS1_Moderate, PM2_Supporting.

Literature cited by the submitters: PubMed 16199547 (cited by Labcorp Genetics (formerly Invitae), Labcorp); PubMed 18506004 (cited by Laboratory for Molecular Medicine, Mass General Brigham Personalized Medicine).